The following is an entry in ClinVar:

NM_000264.5(PTCH1):c.1338C>A (p.Tyr446Ter)

Gene: PTCH1 (patched 1; minus strand). Cytogenetic location: 9q22.32.
Variant type: single nucleotide variant.
Coding change: c.1338C>A on transcript NM_000264.5 (MANE Select); coding-DNA position 1338, C replaced by A.
Protein change: p.Tyr446Ter; replaces tyrosine 446 with a stop codon.
Molecular consequence: nonsense. On other transcripts: non-coding transcript variant (1).
Genome position (GRCh38, 1-based): chr9:95,478,064, G>T on the plus strand (C>A on the coding strand, the complement: PTCH1 is on the minus strand). VCF-style: chr9-95478064-G-T. GRCh37 (hg19) VCF-style: chr9-98240346-G-T.
Other names: c.885C>A, p.Tyr295Ter (NM_001083606.3, NM_001083607.3, NM_001083604.3 and 1 more transcripts); c.1338C>A, p.Tyr446Ter (NM_001354918.2); c.1140C>A, p.Tyr380Ter (NM_001083602.3); c.1335C>A, p.Tyr445Ter (NM_001083603.3); short protein forms Y295*, Y380*, Y445*, Y446*.
Identifiers: ClinVar variation 1071334 (VCV001071334.7), dbSNP rs2118329441, ClinGen allele CA374118719.

ClinVar aggregate classification (germline): Pathogenic (1 of 4 stars; one submission).

Conditions:
Gorlin syndrome. Also called: Nevoid Basal Cell Carcinoma Syndrome; Basal cell nevus syndrome. Identifiers: Orphanet 377, MedGen C0004779, MONDO:0007187.

Submission:

Labcorp Genetics (formerly Invitae), Labcorp
Classification: Pathogenic for Gorlin syndrome. Last evaluated: 2020-05-12. Review status: criteria provided, single submitter. Criteria: Invitae Variant Classification Sherloc (09022015). Collection method: clinical testing. Allele origin: germline.
Comment: For these reasons, this variant has been classified as Pathogenic. Loss-of-function variants in PTCH1 are known to be pathogenic (PMID: 16301862, 16419085). This variant has not been reported in the literature in individuals with PTCH1-related conditions. This variant is not present in population databases (ExAC no frequency). This sequence change creates a premature translational stop signal (p.Tyr446*) in the PTCH1 gene. It is expected to result in an absent or disrupted protein product.

Literature cited by the submitters: PubMed 16301862; PubMed 16419085.